The following is an entry in ClinVar:

ClinVar aggregate classification (germline): Pathogenic (1 of 4 stars; one submission).

Submission:

Labcorp Genetics (formerly Invitae), Labcorp
Classification: Pathogenic. Last evaluated: 2022-06-08. Review status: criteria provided, single submitter. Criteria: Invitae Variant Classification Sherloc (09022015). Collection method: clinical testing. Allele origin: germline.
Comment: For these reasons, this variant has been classified as Pathogenic. This variant disrupts a region of the APRT protein in which other variant(s) (p.Gln147*) have been determined to be pathogenic (PMID: 24986359, 30993240). This suggests that this is a clinically significant region of the protein, and that variants that disrupt it are likely to be disease-causing. This premature translational stop signal has been observed in individual(s) with APRT deficiency (Invitae). The frequency data for this variant in the population databases is considered unreliable, as metrics indicate poor data quality at this position in the gnomAD database. This sequence change creates a premature translational stop signal (p.Lys91Serfs*46) in the APRT gene. While this is not anticipated to result in nonsense mediated decay, it is expected to disrupt the last 90 amino acid(s) of the APRT protein.

Literature cited by the submitters: PubMed 24986359; PubMed 30993240.

NM_000485.3(APRT):c.270del (p.Lys91fs)

Gene: APRT (adenine phosphoribosyltransferase; minus strand). Cytogenetic location: 16q24.3.
Variant type: Deletion.
Coding change: c.270del on transcript NM_000485.3 (MANE Select); coding-DNA position 270, one base deleted (G; older notation c.270delG).
Protein change: p.Lys91fs; shifts the reading frame from lysine 91.
Molecular consequence: frameshift variant.
Genome position (GRCh38, 1-based): chr16:88,810,474, C deleted on the plus strand (G on the coding strand, the reverse complement: APRT is on the minus strand); the first of 5 consecutive C bases (chr16:88,810,474-88,810,478); deleting any one gives the same sequence. VCF-style (leftmost placement, unchanged base first): chr16-88810473-TC-T. GRCh37 (hg19) VCF-style: chr16-88876881-TC-T.
Other names: c.270del, p.Lys91fs (NM_001030018.2); short protein forms K91fs.
Identifiers: ClinVar variation 1452119 (VCV001452119.8), dbSNP rs761430319, ClinGen allele CA8234490.
Genomic context (GRCh38, chr16:88,810,473, plus strand): 5'-GCCCTCTTACCTTCCCGTACTCCAGGGAATAGGAGGCCCACAGAGTGGGGCCTGGCAGCT[TC>T]CCCCGCTTTCGGATGAGCACGCAGCCCAGTCCAAGCTCCTGGGCCAGGGAGGGGCCAAAG-3'